The following is an entry in ClinVar:

ClinVar aggregate classification (germline): Conflicting classifications of pathogenicity. Review status: criteria provided, conflicting classifications (1 of 4 stars). 12 submissions from 8 submitters: Uncertain significance (3); Benign (2); Likely benign (5). 2 of the submissions do not count toward it. Last evaluated 2026-09-21.

Conditions:
Autosomal recessive limb-girdle muscular dystrophy type 2J (LGMDR10). Also called: Limb-girdle muscular dystrophy, type 2J; MUSCULAR DYSTROPHY, LIMB-GIRDLE, AUTOSOMAL RECESSIVE 10. Identifiers: Orphanet 140922, MedGen C1837342, MONDO:0012127, OMIM 608807.
Myopathy, myofibrillar, 9, with early respiratory failure (MFM9). Also called: Hereditary myopathy with early respiratory failure; Myopathy, distal, with early respiratory failure, autosomal dominant; EDSTROM MYOPATHY; MYOPATHY, PROXIMAL, WITH EARLY RESPIRATORY MUSCLE INVOLVEMENT. Identifiers: Orphanet 178464, Orphanet 34521, MedGen C1863599, MONDO:0011362, OMIM 603689.
Early-onset myopathy with fatal cardiomyopathy (CMYO5). Also called: CONGENITAL MYOPATHY 5 WITH CARDIOMYOPATHY; Salih Myopathy. Identifiers: Orphanet 289377, MedGen C2673677, MONDO:0012714, OMIM 611705. Disease mechanism: loss of function.
Dilated cardiomyopathy 1G (CMD1G). Identifiers: Orphanet 154, MedGen C1858763, MONDO:0011400, OMIM 604145.
Tibial muscular dystrophy (TMD). Also called: UDD MYOPATHY; Udd Distal Myopathy – Tibial Muscular Dystrophy; Tibial muscular dystrophy, tardive. Identifiers: Orphanet 609, MedGen C1838244, MONDO:0010870, OMIM 600334.
TTN-related disorder. Also called: TTN-related disorders; TTN-related condition; TTN-related disease.

Allele frequency attached by ClinVar (database versions not stated): gnomAD 0.00006 and 0.00012; gnomAD exomes 0.00022; ExAC 0.00028; 1000 Genomes Project 30x 0.00047; TOPMed 0.00008; 1000 Genomes Project 0.00060.

Submissions (12):

Molecular Diagnostic Laboratory for Inherited Cardiovascular Disease, Montreal Heart Institute
Classification: Likely benign. Last evaluated: 2026-09-21. Review status: criteria provided, single submitter. Criteria: ACMG Guidelines, 2015. Collection method: clinical testing. Allele origin: germline. Affected: no.

Labcorp Genetics (formerly Invitae), Labcorp
Classification: Likely benign for Dilated cardiomyopathy 1G; Autosomal recessive limb-girdle muscular dystrophy type 2J. Last evaluated: 2026-01-16. Review status: criteria provided, single submitter. Criteria: Invitae Variant Classification Sherloc (09022015). Collection method: clinical testing. Allele origin: germline.

PreventionGenetics, part of Exact Sciences
Classification: Likely benign for TTN-related condition. Last evaluated: 2025-07-17. Review status: criteria provided, single submitter. Criteria: ACMG Guidelines, 2015. Collection method: clinical testing. Allele origin: germline.
Comment: This variant is classified as likely benign based on ACMG/AMP sequence variant interpretation guidelines (Richards et al. 2015 PMID: 25741868, with internal and published modifications).

Women's Health and Genetics/Laboratory Corporation of America, LabCorp
Classification: Likely benign. Last evaluated: 2024-11-06. Review status: criteria provided, single submitter. Criteria: LabCorp Variant Classification Summary - May 2015. Collection method: clinical testing. Allele origin: germline.
Comment: Variant summary: TTN c.68995G>T (p.Val22999Phe) results in a non-conservative amino acid change located in the A-band of the encoded protein sequence. Three of four in-silico tools predict a damaging effect of the variant on protein function. The variant allele was found at a frequency of 0.00022 in 247928 control chromosomes, predominantly at a frequency of 0.003 within the East Asian subpopulation in the gnomAD database. The observed variant frequency within East Asian control individuals in the gnomAD database is approximately 8 fold of the estimated maximal expected allele frequency for a pathogenic variant in TTN causing Dilated Cardiomyopathy phenotype (0.00039). To our knowledge, no occurrence of c.68995G>T in individuals affected with Dilated Cardiomyopathy and no experimental evidence demonstrating its impact on protein function have been reported. ClinVar contains an entry for this variant (Variation ID: 535197). Based on the evidence outlined above, the variant was classified as likely benign.

GeneDx
Classification: Likely benign. Last evaluated: 2020-09-23. Review status: criteria provided, single submitter. Criteria: GeneDx Variant Classification Process June 2021. Collection method: clinical testing. Allele origin: germline. Affected: yes.

Illumina Laboratory Services, Illumina
Classification: Benign for Myopathy, myofibrillar, 9, with early respiratory failure. Last evaluated: 2018-01-13. Review status: criteria provided, single submitter. Criteria: ICSL Variant Classification Criteria 13 December 2019. Collection method: clinical testing. Allele origin: germline.
Comment: This variant was observed in the ICSL laboratory as part of a predisposition screen in an ostensibly healthy population. It had not been previously curated by ICSL or reported in the Human Gene Mutation Database (HGMD: prior to June 1st, 2018), and was therefore a candidate for classification through an automated scoring system. Utilizing variant allele frequency, disease prevalence and penetrance estimates, and inheritance mode, an automated score was calculated to assess if this variant is too frequent to cause the disease. Based on the score and internal cut-off values, a variant classified as benign is not then subjected to further curation. The score for this variant resulted in a classification of benign for this disease.

Illumina Laboratory Services, Illumina
Classification: Uncertain significance for Dilated cardiomyopathy 1G. Last evaluated: 2018-01-13. Review status: criteria provided, single submitter. Criteria: ICSL Variant Classification Criteria 13 December 2019. Collection method: clinical testing. Allele origin: germline.

Illumina Laboratory Services, Illumina
Classification: Benign for Tibial muscular dystrophy. Last evaluated: 2018-01-13. Review status: criteria provided, single submitter. Criteria: ICSL Variant Classification Criteria 13 December 2019. Collection method: clinical testing. Allele origin: germline.
Comment: the same text as in the submission from Illumina Laboratory Services, Illumina above.

Illumina Laboratory Services, Illumina
Classification: Uncertain significance for Early-onset myopathy with fatal cardiomyopathy. Last evaluated: 2018-01-13. Review status: criteria provided, single submitter. Criteria: ICSL Variant Classification Criteria 13 December 2019. Collection method: clinical testing. Allele origin: germline.

Illumina Laboratory Services, Illumina
Classification: Uncertain significance for Autosomal recessive limb-girdle muscular dystrophy type 2J. Last evaluated: 2018-01-13. Review status: criteria provided, single submitter. Criteria: ICSL Variant Classification Criteria 13 December 2019. Collection method: clinical testing. Allele origin: germline.

Clinical Genetics DNA and cytogenetics Diagnostics Lab, Erasmus MC, Erasmus Medical Center
Classification: Likely benign. Review status: no assertion criteria provided. Collection method: clinical testing. Allele origin: germline. Affected: yes. Study: VKGL Data-share Consensus. Not counted in ClinVar's aggregate classification.

Genome Diagnostics Laboratory, University Medical Center Utrecht
Classification: Likely benign. Review status: no assertion criteria provided. Collection method: clinical testing. Allele origin: germline. Affected: yes. Study: VKGL Data-share Consensus. Not counted in ClinVar's aggregate classification.

NM_001267550.2(TTN):c.76699G>T (p.Val25567Phe)

Genes: TTN (titin; minus strand), TTN-AS1 (TTN antisense RNA 1; plus strand). Cytogenetic location: 2q31.2.
Variant type: single nucleotide variant.
Coding change: c.76699G>T on transcript NM_001267550.2 (MANE Select); coding-DNA position 76699, G replaced by T.
Protein change: p.Val25567Phe; replaces valine 25567 with phenylalanine.
Molecular consequence: missense variant.
Genome position (GRCh38, 1-based): chr2:178,569,433, C>A on the plus strand (G>T on the coding strand, the complement: TTN is on the minus strand). VCF-style: chr2-178569433-C-A. GRCh37 (hg19) VCF-style: chr2-179434160-C-A.
Other names: c.71776G>T, p.Val23926Phe (NM_001256850.1); c.49504G>T, p.Val16502Phe (NM_003319.4); c.68995G>T, p.Val22999Phe (NM_133378.4); c.49879G>T, p.Val16627Phe (NM_133432.3); c.50080G>T, p.Val16694Phe (NM_133437.4); short protein forms V25567F, V22999F, V23926F, V16502F, V16627F, V16694F.
Identifiers: ClinVar variation 535197 (VCV000535197.23), dbSNP rs3813244, ClinGen allele CA1989872.